The following is an entry in ClinVar:

ClinVar aggregate classification (germline): Uncertain significance (1 of 4 stars; one submission).

Conditions:
Glycogen storage disease due to muscle and heart glycogen synthase deficiency. Also called: GSD 0b; MUSCLE GLYCOGEN SYNTHASE DEFICIENCY. Identifiers: Orphanet 137625, MedGen C1969054, MONDO:0012693, OMIM 611556.

Allele frequency attached by ClinVar (database versions not stated): gnomAD exomes 0.00001.
gnomAD v4.1: 16 of 1,541,840 alleles (0.001%); highest among the groups gnomAD compares: Non-Finnish European, 0.0013%; no homozygotes.

Submission:

Labcorp Genetics (formerly Invitae), Labcorp
Classification: Uncertain significance for Glycogen storage disease due to muscle and heart glycogen synthase deficiency. Last evaluated: 2021-06-08. Review status: criteria provided, single submitter. Criteria: Invitae Variant Classification Sherloc (09022015). Collection method: clinical testing. Allele origin: germline.
Comment: In summary, the available evidence is currently insufficient to determine the role of this variant in disease. Therefore, it has been classified as a Variant of Uncertain Significance. Experimental studies and prediction algorithms are not available or were not evaluated, and the functional significance of this variant is currently unknown. This variant has not been reported in the literature in individuals with GYS1-related conditions. This variant is not present in population databases (ExAC no frequency). This sequence change creates a premature translational stop signal (p.Gln656*) in the GYS1 gene. While this is not anticipated to result in nonsense mediated decay, it is expected to disrupt the last 82 amino acid(s) of the GYS1 protein.

NM_002103.5(GYS1):c.1966C>T (p.Gln656Ter)

Gene: GYS1 (glycogen synthase 1; minus strand). Cytogenetic location: 19q13.33.
Variant type: single nucleotide variant.
Coding change: c.1966C>T on transcript NM_002103.5 (MANE Select); coding-DNA position 1966, C replaced by T.
Protein change: p.Gln656Ter; replaces glutamine 656 with a stop codon.
Molecular consequence: nonsense. On other transcripts: non-coding transcript variant (1).
Genome position (GRCh38, 1-based): chr19:48,969,536, G>A on the plus strand (C>T on the coding strand, the complement: GYS1 is on the minus strand). VCF-style: chr19-48969536-G-A. GRCh37 (hg19) VCF-style: chr19-49472793-G-A.
Other names: c.1774C>T, p.Gln592Ter (NM_001161587.2); short protein forms Q656*, Q592*.
Identifiers: ClinVar variation 1360034 (VCV001360034.6), dbSNP rs1199839572, ClinGen allele CA406759508.
Genomic context (GRCh38, chr19:48,969,536, plus strand): 5'-CGTAGCGCTCGCCGTCTTCCTCCAGCGGCCCGTTCCGGGGATCCTCCTCGTCCTCACTCT[G>A]GTGCGGGCTGGAGTGTCGTGACAGCGAGGGCGACGGTGGCACCGAGGCTGGCCGTGGGTA-3'